The following is an entry in ClinVar:

NM_004519.4(KCNQ3):c.38GCG[1] (p.Gly14_Gly16del)

Gene: KCNQ3 (potassium voltage-gated channel subfamily Q member 3; minus strand). Cytogenetic location: 8q24.22.
Variant type: Microsatellite.
Coding change: c.38GCG[1] on transcript NM_004519.4 (MANE Select); one copy of the 3-base unit GCG starting at c.38; the reference has four copies in a row; three copies, 9 bases deleted.
Protein change: p.Gly14_Gly16del.
Molecular consequence: inframe deletion.
Genome position (GRCh38, 1-based): chr8:132,480,484-132,480,492, CGCCGCCGC deleted on the plus strand (GCGGCGGCG on the coding strand, the reverse complement: KCNQ3 is on the minus strand); deleting any 9 consecutive bases within chr8:132,480,484-132,480,496 gives the same sequence; the position shown is the placement nearest the transcript's 3' end. VCF-style (leftmost placement, unchanged base first): chr8-132480483-TCGCCGCCGC-T. GRCh37 (hg19) VCF-style: chr8-133492730-TCGCCGCCGC-T.
Identifiers: ClinVar variation 1021647 (VCV001021647.8), dbSNP rs981093917, ClinGen allele CA1119383277.

ClinVar aggregate classification (germline): Uncertain significance (1 of 4 stars; one submission).

Conditions:
Benign neonatal seizures. Also called: Benign neonatal familial convulsions; Benign familial neonatal epilepsy; Benign familial neonatal seizures; Convulsions benign familial neonatal dominant form; Autosomal dominant form of benign neonatal seizures. Identifiers: Orphanet 1949, MedGen C0220669, MONDO:0016027.

Submission:

Labcorp Genetics (formerly Invitae), Labcorp
Classification: Uncertain significance for Benign neonatal seizures. Last evaluated: 2022-04-20. Review status: criteria provided, single submitter. Criteria: Invitae Variant Classification Sherloc (09022015). Collection method: clinical testing. Allele origin: germline.
Comment: This variant, c.41_49del, results in the deletion of 3 amino acid(s) of the KCNQ3 protein (p.Gly14_Gly16del), but otherwise preserves the integrity of the reading frame. This variant is not present in population databases (gnomAD no frequency). This variant has not been reported in the literature in individuals affected with KCNQ3-related conditions. Experimental studies and prediction algorithms are not available or were not evaluated, and the functional significance of this variant is currently unknown. In summary, the available evidence is currently insufficient to determine the role of this variant in disease. Therefore, it has been classified as a Variant of Uncertain Significance.